The following is an entry in ClinVar:

ClinVar aggregate classification (germline): Uncertain significance. Review status: criteria provided, multiple submitters, no conflicts (2 of 4 stars). 2 submissions from 2 submitters: Uncertain significance (2). Last evaluated 2023-09-09.

Allele frequency attached by ClinVar (database versions not stated): gnomAD exomes below 0.00001; gnomAD 0.00001.
gnomAD v4.1: 6 of 1,613,548 alleles (0.00037%); highest among the groups gnomAD compares: African/African-American, 0.0027%; no homozygotes.

Submissions (2):

Labcorp Genetics (formerly Invitae), Labcorp
Classification: Uncertain significance. Last evaluated: 2023-09-09. Review status: criteria provided, single submitter. Criteria: Invitae Variant Classification Sherloc (09022015). Collection method: clinical testing. Allele origin: germline.
Comment: In summary, the available evidence is currently insufficient to determine the role of this variant in disease. Therefore, it has been classified as a Variant of Uncertain Significance. An algorithm developed to predict the effect of missense changes on protein structure and function (PolyPhen-2) suggests that this variant is likely to be tolerated. ClinVar contains an entry for this variant (Variation ID: 1365513). This variant has not been reported in the literature in individuals affected with ADGRA3-related conditions. This variant is not present in population databases (gnomAD no frequency). This sequence change replaces arginine, which is basic and polar, with glutamine, which is neutral and polar, at codon 150 of the ADGRA3 protein (p.Arg150Gln).

Ambry Genetics
Classification: Uncertain significance. Last evaluated: 2022-08-12. Review status: criteria provided, single submitter. Criteria: Ambry Variant Classification Scheme 2023. Collection method: clinical testing. Allele origin: germline.

NM_145290.4(ADGRA3):c.449G>A (p.Arg150Gln)

Gene: ADGRA3 (adhesion G protein-coupled receptor A3; minus strand). Cytogenetic location: 4p15.2.
Variant type: single nucleotide variant.
Coding change: c.449G>A on transcript NM_145290.4 (MANE Select); coding-DNA position 449, G replaced by A.
Protein change: p.Arg150Gln; replaces arginine 150 with glutamine.
Molecular consequence: missense variant.
Genome position (GRCh38, 1-based): chr4:22,454,890, C>T on the plus strand (G>A on the coding strand, the complement: ADGRA3 is on the minus strand). VCF-style: chr4-22454890-C-T. GRCh37 (hg19) VCF-style: chr4-22456513-C-T.
Other names: c.449G>A (NM_145290.2); short protein forms R150Q.
Identifiers: ClinVar variation 1365513 (VCV001365513.7), dbSNP rs1560326065, ClinGen allele CA356479546.